The following is an entry in ClinVar:

NM_052867.4(NALCN):c.1580T>A (p.Met527Lys)

Gene: NALCN (sodium leak channel, non-selective; minus strand). Cytogenetic location: 13q33.1.
Variant type: single nucleotide variant.
Coding change: c.1580T>A on transcript NM_052867.4 (MANE Select); coding-DNA position 1580, T replaced by A.
Protein change: p.Met527Lys; replaces methionine 527 with lysine.
Molecular consequence: missense variant.
Genome position (GRCh38, 1-based): chr13:101,229,439, A>T on the plus strand (T>A on the coding strand, the complement: NALCN is on the minus strand). VCF-style: chr13-101229439-A-T. GRCh37 (hg19) VCF-style: chr13-101881790-A-T.
Other names: c.1580T>A, p.Met527Lys (NM_001350748.2, NM_001350749.2); c.1493T>A, p.Met498Lys (NM_001350750.2, NM_001350751.2); short protein forms M498K, M527K.
Identifiers: ClinVar variation 4879577 (VCV004879577.1).

ClinVar aggregate classification (germline): Uncertain significance (1 of 4 stars; one submission).

Conditions:
Congenital contractures of the limbs and face, hypotonia, and developmental delay (CLIFAHDD). Identifiers: Orphanet 562528, MedGen C4225398, MONDO:0014556, OMIM 616266.

Submission:

Victorian Clinical Genetics Services, Murdoch Childrens Research Institute
Classification: Uncertain significance for Congenital contractures of the limbs and face, hypotonia, and developmental delay. Last evaluated: 2026-05-26. Review status: criteria provided, single submitter. Criteria: ACMG Guidelines, 2015. Collection method: clinical testing. Allele origin: germline. Affected: yes.
Comment: This variant is classified as VUS-3A. Evidence in support of pathogenic classification: Variant is absent from gnomAD (v2, v3 and v4); Missense variant predicted to be damaging by in silico tool(s) or highly conserved with a major amino acid change. Additional information: Variant is predicted to result in a missense amino acid change from Met to Lys; This variant is heterozygous; This gene is associated with both recessive and dominant disease. The recessive condition is associated with both null variants and missense variants located outside of the S5/S6 segments of the protein (PMID: 30167850). The dominant condition is mostly associated with missense variants located within the S5/S6 segments (PMID: 26763878); This variant has no previous evidence of pathogenicity; No published evidence of segregation with disease has been identified for this variant; No published functional evidence has been identified for this variant; No comparable missense variants have previous evidence for pathogenicity; Variant is located in the annotated ion transporter II domain (DECIPHER, PMID: 25683120); Loss of function is a known mechanism of disease in this gene and is associated with autosomal recessive hypotonia, infantile, with psychomotor retardation and characteristic facies 1 (MIM#615419). Dominant negative and gain of function are postulated mechanisms for autosomal dominant congenital contractures of the limbs and face, hypotonia, and developmental delay (MIM#616266) (PMID: 26763878); Inheritance information for this variant is not currently available in this individual.

Literature cited by the submitters: PubMed 30167850; PubMed 26763878; PubMed 25683120.